The following is an entry in ClinVar:

NM_145261.4(DNAJC19):c.181C>T (p.Arg61Trp)

Gene: DNAJC19 (DnaJ heat shock protein family (Hsp40) member C19; minus strand). Cytogenetic location: 3q26.33.
Variant type: single nucleotide variant.
Coding change: c.181C>T on transcript NM_145261.4 (MANE Select); coding-DNA position 181, C replaced by T.
Protein change: p.Arg61Trp; replaces arginine 61 with tryptophan.
Molecular consequence: missense variant. On other transcripts: non-coding transcript variant (1).
Genome position (GRCh38, 1-based): chr3:180,986,971, G>A on the plus strand (C>T on the coding strand, the complement: DNAJC19 is on the minus strand). VCF-style: chr3-180986971-G-A. GRCh37 (hg19) VCF-style: chr3-180704759-G-A.
Other names: p.R61W:CGG>TGG; c.106C>T, p.Arg36Trp (NM_001190233.2); short protein forms R61W, R36W.
Identifiers: ClinVar variation 214298 (VCV000214298.15), dbSNP rs141007488, ClinGen allele CA323361.

ClinVar aggregate classification (germline): Conflicting classifications of pathogenicity. Review status: criteria provided, conflicting classifications (1 of 4 stars). 3 submissions from 3 submitters: Uncertain significance (2); Likely benign (1). Last evaluated 2025-09-28.

Conditions:
Inborn genetic diseases. Identifiers: MedGen C0950123, MeSH D030342.
3-methylglutaconic aciduria type 5. Also called: 3 alpha methylglutaconic aciduria type V; MGA 5; CARDIOMYOPATHY, DILATED, WITH ATAXIA; MGA, TYPE V. Identifiers: Orphanet 66634, MedGen C1857776, MONDO:0012435, OMIM 610198.

Allele frequency attached by ClinVar (database versions not stated): gnomAD 0.00004 and 0.00011; ESP Exome Variant Server 0.00008; gnomAD exomes 0.00014 and 0.00038; ExAC 0.00041; 1000 Genomes Project 30x 0.00078; 1000 Genomes Project 0.00100; TOPMed 0.00003.

Submissions (3):

Labcorp Genetics (formerly Invitae), Labcorp
Classification: Likely benign for 3-methylglutaconic aciduria type 5. Last evaluated: 2025-09-28. Review status: criteria provided, single submitter. Criteria: Invitae Variant Classification Sherloc (09022015). Collection method: clinical testing. Allele origin: germline.

Ambry Genetics
Classification: Uncertain significance for Inborn genetic diseases. Last evaluated: 2025-05-29. Review status: criteria provided, single submitter. Criteria: Ambry Variant Classification Scheme 2023. Collection method: clinical testing. Allele origin: germline.

GeneDx
Classification: Uncertain significance. Last evaluated: 2016-12-19. Review status: criteria provided, single submitter. Criteria: GeneDx Variant Classification (06012015). Collection method: clinical testing. Allele origin: germline. Affected: yes.
Comment: The R61W variant has not been published as a pathogenic variant, nor has it been reported as a benign polymorphism to our knowledge. The R61W variant is a non-conservative amino acid substitution, which is likely to impact secondary protein structure as these residues differ in polarity, charge, size and/or other properties. This substitution occurs at a position that is highly conserved across species. In silico analysis predicts this variant is probably damaging to the protein structure/function. Therefore, this variant is a strong candidate for a pathogenic variant, however the possibility that it is a benign variant cannot be excluded.